The following is an entry in ClinVar:

NM_000092.5(COL4A4):c.1772A>C (p.His591Pro)

Gene: COL4A4 (collagen type IV alpha 4 chain; minus strand). Cytogenetic location: 2q36.3.
Variant type: single nucleotide variant.
Coding change: c.1772A>C on transcript NM_000092.5 (MANE Select); coding-DNA position 1772, A replaced by C.
Protein change: p.His591Pro; replaces histidine 591 with proline.
Molecular consequence: missense variant.
Genome position (GRCh38, 1-based): chr2:227,080,474, T>G on the plus strand (A>C on the coding strand, the complement: COL4A4 is on the minus strand). VCF-style: chr2-227080474-T-G. GRCh37 (hg19) VCF-style: chr2-227945190-T-G.
Other names: short protein forms H591P.
Identifiers: ClinVar variation 2134277 (VCV002134277.4), dbSNP rs773347000, ClinGen allele CA350846978.

ClinVar aggregate classification (germline): Uncertain significance (1 of 4 stars; one submission).

Submission:

Labcorp Genetics (formerly Invitae), Labcorp
Classification: Uncertain significance. Last evaluated: 2023-10-03. Review status: criteria provided, single submitter. Criteria: Invitae Variant Classification Sherloc (09022015). Collection method: clinical testing. Allele origin: germline.
Comment: This sequence change replaces histidine, which is basic and polar, with proline, which is neutral and non-polar, at codon 591 of the COL4A4 protein (p.His591Pro). This variant is not present in population databases (gnomAD no frequency). This variant has not been reported in the literature in individuals affected with COL4A4-related conditions. ClinVar contains an entry for this variant (Variation ID: 2134277). Advanced modeling of protein sequence and biophysical properties (such as structural, functional, and spatial information, amino acid conservation, physicochemical variation, residue mobility, and thermodynamic stability) performed at Invitae indicates that this missense variant is not expected to disrupt COL4A4 protein function. In summary, the available evidence is currently insufficient to determine the role of this variant in disease. Therefore, it has been classified as a Variant of Uncertain Significance.